The following is an entry in ClinVar:

ClinVar aggregate classification (germline): Uncertain significance (1 of 4 stars; one submission).

gnomAD v4.1: 1 of 1,612,958 alleles (0.000062%); highest among the groups gnomAD compares: Non-Finnish European, 0.000085%; no homozygotes.

Submission:

Labcorp Genetics (formerly Invitae), Labcorp
Classification: Uncertain significance. Last evaluated: 2021-06-16. Review status: criteria provided, single submitter. Criteria: Invitae Variant Classification Sherloc (09022015). Collection method: clinical testing. Allele origin: germline.
Comment: In summary, the available evidence is currently insufficient to determine the role of this variant in disease. Therefore, it has been classified as a Variant of Uncertain Significance. Algorithms developed to predict the effect of missense changes on protein structure and function are either unavailable or do not agree on the potential impact of this missense change (SIFT: "Tolerated"; PolyPhen-2: "Probably Damaging"; Align-GVGD: "Class C0"). This variant has not been reported in the literature in individuals with LMF1-related conditions. This variant is not present in population databases (ExAC no frequency). This sequence change replaces proline with serine at codon 111 of the LMF1 protein (p.Pro111Ser). The proline residue is moderately conserved and there is a moderate physicochemical difference between proline and serine.

NM_022773.4(LMF1):c.331C>T (p.Pro111Ser)

Gene: LMF1 (lipase maturation factor 1; minus strand). Cytogenetic location: 16p13.3.
Variant type: single nucleotide variant.
Coding change: c.331C>T on transcript NM_022773.4 (MANE Select); coding-DNA position 331, C replaced by T.
Protein change: p.Pro111Ser; replaces proline 111 with serine.
Molecular consequence: missense variant. On other transcripts: 5 prime UTR variant (3), non-coding transcript variant (1).
Genome position (GRCh38, 1-based): chr16:954,529, G>A on the plus strand (C>T on the coding strand, the complement: LMF1 is on the minus strand). VCF-style: chr16-954529-G-A. GRCh37 (hg19) VCF-style: chr16-1004529-G-A.
Other names: c.-473C>T (NM_001352017.2); c.-224C>T (NM_001352018.2); c.4C>T, p.Pro2Ser (NM_001352019.2); c.331C>T, p.Pro111Ser (NM_001352020.1); c.-375C>T (NM_001352021.2); short protein forms P111S, P2S.
Identifiers: ClinVar variation 1361806 (VCV001361806.8), dbSNP rs975017870, ClinGen allele CA394104996.